The following is an entry in ClinVar:

ClinVar aggregate classification (germline): Uncertain significance. Review status: criteria provided, multiple submitters, no conflicts (2 of 4 stars). 3 submissions from 3 submitters: Uncertain significance (3). Last evaluated 2024-03-21.

Conditions:
Congenital cataracts-facial dysmorphism-neuropathy syndrome (CCFDN). Also called: CTDP1-Related Congenital Cataracts, Facial Dysmorphism, and Neuropathy; CATARACT, CONGENITAL, WITH FACIAL DYSMORPHISM AND NEUROPATHY. Identifiers: Orphanet 48431, MedGen C1858726, MONDO:0011402, OMIM 604168.

Allele frequency attached by ClinVar (database versions not stated): TOPMed 0.00007; ExAC 0.00034.
gnomAD v4.1: 79 of 1,545,684 alleles (0.0051%); highest among the groups gnomAD compares: East Asian, 0.11%; 2 homozygotes.

Submissions (3):

Fulgent Genetics
Classification: Uncertain significance for Congenital cataracts-facial dysmorphism-neuropathy syndrome. Last evaluated: 2024-03-21. Review status: criteria provided, single submitter. Criteria: ACMG Guidelines, 2015. Collection method: clinical testing. Allele origin: germline.

Ambry Genetics
Classification: Uncertain significance. Last evaluated: 2023-11-21. Review status: criteria provided, single submitter. Criteria: Ambry Variant Classification Scheme 2023. Collection method: clinical testing. Allele origin: germline.

Labcorp Genetics (formerly Invitae), Labcorp
Classification: Uncertain significance. Last evaluated: 2022-04-19. Review status: criteria provided, single submitter. Criteria: Invitae Variant Classification Sherloc (09022015). Collection method: clinical testing. Allele origin: germline.
Comment: This sequence change replaces alanine, which is neutral and non-polar, with valine, which is neutral and non-polar, at codon 909 of the CTDP1 protein (p.Ala909Val). This variant is present in population databases (rs763209974, gnomAD 0.2%). This variant has not been reported in the literature in individuals affected with CTDP1-related conditions. Algorithms developed to predict the effect of missense changes on protein structure and function output the following: SIFT: "Tolerated"; PolyPhen-2: "Benign"; Align-GVGD: "Class C0". The valine amino acid residue is found in multiple mammalian species, which suggests that this missense change does not adversely affect protein function. In summary, the available evidence is currently insufficient to determine the role of this variant in disease. Therefore, it has been classified as a Variant of Uncertain Significance.

NM_004715.5(CTDP1):c.2726C>T (p.Ala909Val)

Gene: CTDP1 (CTD phosphatase subunit 1; plus strand). Cytogenetic location: 18q23.
Variant type: single nucleotide variant.
Coding change: c.2726C>T on transcript NM_004715.5 (MANE Select); coding-DNA position 2726, C replaced by T.
Protein change: p.Ala909Val; replaces alanine 909 with valine.
Molecular consequence: missense variant. On other transcripts: intron variant (1).
Genome position (GRCh38, 1-based): chr18:79,736,500, C>T. VCF-style: chr18-79736500-C-T. GRCh37 (hg19) VCF-style: chr18-77496500-C-T.
Other names: c.2369C>T, p.Ala790Val (NM_001202504.1); c.2563C>T, p.Arg855Trp (NM_048368.4); c.2580+7431C>T (NM_001318511.2); short protein forms A790V, A909V, R855W.
Identifiers: ClinVar variation 2419156 (VCV002419156.5), dbSNP rs763209974, ClinGen allele CA9010682.
Genomic context (GRCh38, chr18:79,736,500, plus strand): 5'-GGAAGCCAGGGACCCGCAGGGAGCGGACGCTCGGGGCACCTGCGTCCAGCGAGAGGAGCG[C>T]GGCAGGGGGCCGGGGGCCCAGGTGAGTGCGGGGTCTGAGGTGGGAGGGGCCTGACACGGG-3'
Protein context (NP_004706.3, residues 899-919): LGAPASSERS[Ala909Val]AGGRGPRGHK